The following is an entry in ClinVar:

NM_000059.4(BRCA2):c.6231G>C (p.Lys2077Asn)

Gene: BRCA2 (BRCA2 DNA repair associated; plus strand). Cytogenetic location: 13q13.1.
Variant type: single nucleotide variant.
Coding change: c.6231G>C on transcript NM_000059.4 (MANE Select); coding-DNA position 6231, G replaced by C.
Protein change: p.Lys2077Asn; replaces lysine 2077 with asparagine.
Molecular consequence: missense variant.
Genome position (GRCh38, 1-based): chr13:32,340,586, G>C. VCF-style: chr13-32340586-G-C. GRCh37 (hg19) VCF-style: chr13-32914723-G-C.
Other names: NP_000050.3:p.Lys2077Asn; short protein forms K2077N.
Identifiers: ClinVar variation 135809 (VCV000135809.55), dbSNP rs541826447, ClinGen allele CA023776.
Genomic context (GRCh38, chr13:32,340,586, plus strand): 5'-ATTTAGTACAGCAAGTGGAAAGCAAGTTTCCATTTTAGAAAGTTCCTTACACAAAGTTAA[G>C]GGAGTGTTAGAGGAATTTGATTTAATCAGAACTGAGCATAGTCTTCACTATTCACCTACG-3'
Protein context (NP_000050.3, residues 2067-2087): SILESSLHKV[Lys2077Asn]GVLEEFDLIR

ClinVar aggregate classification (germline): Conflicting classifications of pathogenicity. Review status: criteria provided, conflicting classifications (1 of 4 stars). 12 submissions from 12 submitters: Uncertain significance (3); Benign (1); Likely benign (7). 1 of the submissions does not count toward it. Last evaluated 2026-01-13.

Conditions:
Hereditary cancer-predisposing syndrome. Also called: Tumor predisposition; Hereditary neoplastic syndrome; Neoplastic Syndromes, Hereditary; Hereditary Cancer Syndrome. Identifiers: Orphanet 140162, MedGen C0027672, MeSH D009386, MONDO:0015356.
Familial cancer of breast. Also called: BREAST CANCER, FAMILIAL; Hereditary breast cancer; hereditary breast carcinoma. Identifiers: Orphanet 227535, MedGen C0346153, MONDO:0016419, OMIM 114480. Disease mechanism: loss of function.
Breast-ovarian cancer, familial, susceptibility to, 2 (BROVCA2). Also called: BRCA2 Hereditary Breast and Ovarian Cancer. Identifiers: Orphanet 145, MedGen C2675520, MONDO:0012933, OMIM 612555. Disease mechanism: loss of function.
Hereditary breast ovarian cancer syndrome. Also called: Hereditary breast and ovarian cancer syndrome; Hereditary breast and ovarian cancer; Hereditary breast and ovarian cancer syndrome (HBOC); Breast and ovarian cancer; BRCA1- and BRCA2-Associated Hereditary Breast and Ovarian Cancer; Hereditary breast and/or ovarian cancer syndrome. Identifiers: Orphanet 145, MedGen C0677776, MeSH D061325, MONDO:0003582. Disease mechanism: loss of function.

Allele frequency attached by ClinVar (database versions not stated): TOPMed below 0.00001; gnomAD 0.00001 and 0.00005; gnomAD exomes 0.00012; 1000 Genomes Project 30x 0.00016; ExAC 0.00017; 1000 Genomes Project 0.00020.
gnomAD v4.1: 106 of 1,610,380 alleles (0.0066%); highest among the groups gnomAD compares: South Asian, 0.11%; no homozygotes.

Submissions (12):

Labcorp Genetics (formerly Invitae), Labcorp
Classification: Likely benign for Hereditary breast ovarian cancer syndrome. Last evaluated: 2026-01-13. Review status: criteria provided, single submitter. Criteria: Invitae Variant Classification Sherloc (09022015). Collection method: clinical testing. Allele origin: germline.

Color Diagnostics, LLC DBA Color Health
Classification: Likely benign for Hereditary cancer-predisposing syndrome. Last evaluated: 2025-10-14. Review status: criteria provided, single submitter. Criteria: ACMG Guidelines, 2015. Collection method: clinical testing. Allele origin: germline.

Women's Health and Genetics/Laboratory Corporation of America, LabCorp
Classification: Likely benign. Last evaluated: 2025-07-11. Review status: criteria provided, single submitter. Criteria: LabCorp Variant Classification Summary - May 2015. Collection method: clinical testing. Allele origin: germline.
Comment: Variant summary: BRCA2 c.6231G>C (p.Lys2077Asn) results in a non-conservative amino acid change located in the BRCA2 repeat (IPR002093) of the encoded protein sequence. Algorithms developed to predict the effect of missense changes on protein structure and function are either unavailable or do not agree on the potential impact of this missense change. The variant allele was found at a frequency of 0.00012 in 249782 control chromosomes, predominantly at a frequency of 0.00096 within the South Asian subpopulation in the gnomAD database. The observed variant frequency within South Asian control individuals in the gnomAD database is approximately 1.28 fold of the estimated maximal expected allele frequency for a pathogenic variant in BRCA2 causing Hereditary Breast And Ovarian Cancer Syndrome phenotype (0.00075), suggesting that the variant is a benign polymorphism found primarily in populations of South Asian origin. c.6231G>C has been observed in individuals Breast/Ovarian Cancer (Kurian_2008, Singh_2018, Sirisena_2020, Dorling_2021) and Prostate cancer (Satapathy_2023) without evidence for causality. Therefore, these reports do not provide unequivocal conclusions about association of the variant with Hereditary Breast And Ovarian Cancer Syndrome. At least one publication reports experimental evidence evaluating an impact on protein function, showing that the variant was able to rescue Brca2-deficient mouse embryonic stem cells exposed to DNA damaging agents (Sirisena_2020). The following publications have been ascertained in the context of this evaluation (PMID: 18779604, 36259290, 29470806, 32393398, 28993434, 33471991). ClinVar contains an entry for this variant (Variation ID: 135809). Based on the evidence outlined above, the variant was classified as likely benign.

Center for Genomic Medicine, Rigshospitalet, Copenhagen University Hospital
Classification: Likely benign. Last evaluated: 2025-03-04. Review status: criteria provided, single submitter. Criteria: ACMG Guidelines, 2015. Collection method: clinical testing. Allele origin: germline.

Department of Pathology and Laboratory Medicine, Sinai Health System
Classification: Benign for Familial cancer of breast; Breast-ovarian cancer, familial, susceptibility to, 2. Last evaluated: 2024-12-10. Review status: criteria provided, single submitter. Criteria: ACMG Guidelines, 2015. Collection method: clinical testing. Allele origin: germline. Affected: yes.

All of Us Research Program, National Institutes of Health
Classification: Uncertain significance for Breast-ovarian cancer, familial, susceptibility to, 2. Last evaluated: 2023-12-13. Review status: criteria provided, single submitter. Criteria: ACMG Guidelines, 2015. Collection method: clinical testing. Allele origin: germline. Inheritance: Autosomal dominant inheritance. Observed: 3 variant alleles, 3 heterozygotes.
Comment: This missense variant replaces lysine with asparagine at codon 2077 of the BRCA2 protein. Computational prediction is inconclusive regarding the impact of this variant on protein structure and function (internally defined REVEL score threshold 0.5 < inconclusive < 0.7, PMID: 27666373). To our knowledge, functional studies have not been reported for this variant. This variant has been reported in at least 5 individuals affected with breast and/or ovarian cancer, 1 individual affected with prostate cancer, and in 2 unaffected individuals (PMID: 28993434, 29470806, 29785135, 33471991; Leiden Open Variation Database DB-ID BRCA2_003775, 36259290 , 37277882). This variant has been identified in 29/248688 chromosomes in the general population by the Genome Aggregation Database (gnomAD). The available evidence is insufficient to determine the role of this variant in disease conclusively. Therefore, this variant is classified as a Variant of Uncertain Significance.

This study involves interpretation of variants in research participants for the purpose of population health screening. Participant phenotype was not available at the time of variant classification. Additional details can be found in publication PMID: 35346344, PMCID: PMC8962531

Quest Diagnostics Nichols Institute San Juan Capistrano
Classification: Likely benign. Last evaluated: 2023-10-16. Review status: criteria provided, single submitter. Criteria: Quest Diagnostics criteria. Collection method: clinical testing. Allele origin: unknown.

University of Washington Department of Laboratory Medicine, University of Washington
Classification: Likely benign for Hereditary cancer-predisposing syndrome. Last evaluated: 2023-03-23. Review status: criteria provided, single submitter. Criteria: Dines et al. (Genet Med. 2020). Collection method: curation. Allele origin: germline.
Comment: Missense variant in a coldspot region where missense variants are very unlikely to be pathogenic (PMID:31911673).

BRCA2 exon 11 coldspot. Reclassification based on statistical prior probability.

Ambry Genetics
Classification: Likely benign for Hereditary cancer-predisposing syndrome. Last evaluated: 2022-08-24. Review status: criteria provided, single submitter. Criteria: Ambry Variant Classification Scheme 2023. Collection method: clinical testing. Allele origin: germline.

GeneDx
Classification: Uncertain significance. Last evaluated: 2022-07-11. Review status: criteria provided, single submitter. Criteria: GeneDx Variant Classification Process June 2021. Collection method: clinical testing. Allele origin: germline. Affected: yes.
Comment: Observed in individuals with a personal and/or family history of breast and/or ovarian cancer (Kurian et al., 2008; Mannan et al., 2016; Shah et al., 2018; Singh et al., 2018); In silico analysis supports that this missense variant does not alter protein structure/function; Published functional studies demonstrate no damaging effect: comparable to wild-type in ability to rescue cell lethality and lack of response to DNA-damaging agents, as measured in mouse embryonic stem cell-based functional assay (Sirisena et al., 2020); Also known as 6459G>C; This variant is associated with the following publications: (PMID: 18779604, 35464868, 26911350, 32393398, 28726806, 9002670, 22193408, 29470806, 28993434, 29785135)

National Health Laboratory Service, Universitas Academic Hospital and University of the Free State
Classification: Uncertain significance for Hereditary breast ovarian cancer syndrome. Last evaluated: 2021-11-16. Review status: criteria provided, single submitter. Criteria: ACMG Guidelines, 2015. Collection method: clinical testing. Allele origin: germline. Affected: yes. Observed: 1 variant allele.

Counsyl
Classification: Uncertain significance for Breast-ovarian cancer, familial, susceptibility to, 2. Last evaluated: 2015-12-23. Review status: no assertion criteria provided. Collection method: clinical testing. Allele origin: unknown. Not counted in ClinVar's aggregate classification.

Literature cited by the submitters: PubMed 18779604 (cited by 4 submitters); PubMed 28993434 (cited by 4 submitters); PubMed 29470806 (cited by 4 submitters); PubMed 33471991 (cited by 4 submitters); PubMed 32393398 (cited by 4 submitters); PubMed 36259290 (cited by Women's Health and Genetics/Laboratory Corporation of America, LabCorp); PubMed 37277882 (cited by Department of Pathology and Laboratory Medicine, Sinai Health System); PubMed 29785135 (cited by 3 submitters); PubMed 31911673 (cited by Quest Diagnostics Nichols Institute San Juan Capistrano); PubMed 28726806 (cited by Quest Diagnostics Nichols Institute San Juan Capistrano); DOI 10.3389/fgene.2022.834265 (cited by National Health Laboratory Service, Universitas Academic Hospital and University of the Free State).